The following is an entry in ClinVar:

ClinVar aggregate classification (germline): Uncertain significance (1 of 4 stars; one submission).

Allele frequency attached by ClinVar (database versions not stated): ExAC 0.00003; ESP Exome Variant Server 0.00015.
gnomAD v4.1: 34 of 1,611,316 alleles (0.0021%); highest among the groups gnomAD compares: South Asian, 0.014%; no homozygotes.

Submission:

Labcorp Genetics (formerly Invitae), Labcorp
Classification: Uncertain significance. Last evaluated: 2022-05-29. Review status: criteria provided, single submitter. Criteria: Invitae Variant Classification Sherloc (09022015). Collection method: clinical testing. Allele origin: germline.
Comment: In summary, the available evidence is currently insufficient to determine the role of this variant in disease. Therefore, it has been classified as a Variant of Uncertain Significance. Algorithms developed to predict the effect of missense changes on protein structure and function (SIFT, PolyPhen-2, Align-GVGD) all suggest that this variant is likely to be disruptive. This variant has not been reported in the literature in individuals affected with ACE-related conditions. This variant is present in population databases (rs142677199, gnomAD 0.02%). This sequence change replaces alanine, which is neutral and non-polar, with threonine, which is neutral and polar, at codon 214 of the ACE protein (p.Ala214Thr).

NM_000789.4(ACE):c.640G>A (p.Ala214Thr)

Gene: ACE (angiotensin I converting enzyme; plus strand). Cytogenetic location: 17q23.3.
Variant type: single nucleotide variant.
Coding change: c.640G>A on transcript NM_000789.4 (MANE Select); coding-DNA position 640, G replaced by A.
Protein change: p.Ala214Thr; replaces alanine 214 with threonine.
Molecular consequence: missense variant. On other transcripts: intron variant (2).
Genome position (GRCh38, 1-based): chr17:63,479,897, G>A. VCF-style: chr17-63479897-G-A. GRCh37 (hg19) VCF-style: chr17-61557258-G-A.
Other names: c.-197-440G>A (NM_001382701.1); c.183-440G>A (NM_001382700.1); short protein forms A214T.
Identifiers: ClinVar variation 2182473 (VCV002182473.3), dbSNP rs142677199, ClinGen allele CA8699163.